The following is an entry in ClinVar:

ClinVar aggregate classification (germline): Uncertain significance (1 of 4 stars; one submission).

Submission:

Labcorp Genetics (formerly Invitae), Labcorp
Classification: Uncertain significance. Last evaluated: 2025-10-07. Review status: criteria provided, single submitter. Criteria: Invitae Variant Classification Sherloc (09022015). Collection method: clinical testing. Allele origin: germline.
Comment: This sequence change replaces tryptophan, which is neutral and slightly polar, with arginine, which is basic and polar, at codon 175 of the XPA protein (p.Trp175Arg). This variant is not present in population databases (gnomAD no frequency). This variant has not been reported in the literature in individuals affected with XPA-related conditions. Invitae Evidence Modeling of protein sequence and biophysical properties (such as structural, functional, and spatial information, amino acid conservation, physicochemical variation, residue mobility, and thermodynamic stability) indicates that this missense variant is not expected to disrupt XPA protein function with a negative predictive value of 80%. In summary, the available evidence is currently insufficient to determine the role of this variant in disease. Therefore, it has been classified as a Variant of Uncertain Significance.

NM_000380.4(XPA):c.523T>C (p.Trp175Arg)

Gene: XPA (XPA, DNA damage recognition and repair factor; minus strand). Cytogenetic location: 9q22.33.
Variant type: single nucleotide variant.
Coding change: c.523T>C on transcript NM_000380.4 (MANE Select); coding-DNA position 523, T replaced by C.
Protein change: p.Trp175Arg; replaces tryptophan 175 with arginine.
Molecular consequence: missense variant. On other transcripts: non-coding transcript variant (4).
Genome position (GRCh38, 1-based): chr9:97,687,128, A>G on the plus strand (T>C on the coding strand, the complement: XPA is on the minus strand). VCF-style: chr9-97687128-A-G. GRCh37 (hg19) VCF-style: chr9-100449410-A-G.
Other names: c.397T>C, p.Trp133Arg (NM_001354975.2); short protein forms W133R, W175R.
Identifiers: ClinVar variation 4763454 (VCV004763454.1).
Genomic context (GRCh38, chr9:97,687,128, plus strand): 5'-AAAATAATAAATACAACTTATTAGAGACCTGTAACTTTAAGTAGAGTTTCATATCACCCC[A>G]TTGTGAATGATGTGGATTCTTCTTCACAATAAATTTAAGAGGTGGCTCTCTTTTTTCTAA-3'
Protein context (NP_000371.1, residues 165-185): IVKKNPHHSQ[Trp175Arg]GDMKLYLKLQ